The following is an entry in ClinVar:

NM_000092.5(COL4A4):c.292G>A (p.Gly98Ser)

Gene: COL4A4 (collagen type IV alpha 4 chain; minus strand). Cytogenetic location: 2q36.3.
Variant type: single nucleotide variant.
Coding change: c.292G>A on transcript NM_000092.5 (MANE Select); coding-DNA position 292, G replaced by A.
Protein change: p.Gly98Ser; replaces glycine 98 with serine.
Molecular consequence: missense variant.
Genome position (GRCh38, 1-based): chr2:227,121,049, C>T on the plus strand (G>A on the coding strand, the complement: COL4A4 is on the minus strand). VCF-style: chr2-227121049-C-T. GRCh37 (hg19) VCF-style: chr2-227985765-C-T.
Other names: short protein forms G98S.
Identifiers: ClinVar variation 3585947 (VCV003585947.3).

ClinVar aggregate classification (germline): Likely pathogenic. Review status: criteria provided, multiple submitters, no conflicts (2 of 4 stars). 3 submissions from 3 submitters: Likely pathogenic (3). Last evaluated 2026-06-28.

Conditions:
Autosomal recessive Alport syndrome (ATS2). Also called: COL4A4 Alport Syndrome and Thin Basement Membrane Nephropathy; ALPORT SYNDROME 2, AUTOSOMAL RECESSIVE; Alport syndrome type 2; COL4A3-Related Nephropathy. Identifiers: Orphanet 63, Orphanet 88919, MedGen C4746745, MONDO:0008762, OMIM 203780.
Hematuria, benign familial, 1 (BFH1). Also called: THIN MEMBRANE NEPHROPATHY. Identifiers: MedGen CN376803, MONDO:0007709, OMIM 141200.
COL4A4-related disorder.
Alport syndrome. Also called: Hemorrhagic familial nephritis; Hemorrhagic hereditary nephritis; Congenital hereditary hematuria. Identifiers: Orphanet 63, MedGen C1567741, MONDO:0018965.

Submissions (3):

PreventionGenetics, part of Exact Sciences
Classification: Likely pathogenic for COL4A4-related condition. Last evaluated: 2026-06-28. Review status: criteria provided, single submitter. Criteria: ACMG Guidelines, 2015. Collection method: clinical testing. Allele origin: germline.
Comment: The COL4A4 c.292G>A variant is predicted to result in the amino acid substitution p.Gly98Ser. To our knowledge this variant has not been reported in the literature. This variant is reported in 0.00090% of alleles in individuals of European (Non-Finnish) descent in gnomAD. The amino acid p.Gly98 resides within the triple helical domain of the COL4A4 protein (amino acids 57-1451). Glycine substitutions within this domain affect the folding and secretion of type VII collagen, and pathogenic variants altering glycine residues have been reported in individuals with COL4A4-related disorders ((Hudson et al. 1993. PubMed ID: 8253711). This variant is interpreted as likely pathogenic.

Natera, Inc.
Classification: Likely pathogenic for Alport syndrome. Last evaluated: 2025-08-20. Review status: criteria provided, single submitter. Criteria: Natera Variant Classification Schema (03/2026). Collection method: clinical testing. Allele origin: germline.
Comment: The c.292G>A variant in COL4A4 is a missense variant predicted to cause substitution of glycine to serine at amino acid 98. This variant is rare in the general population with a frequency below the threshold expected for the associated phenotype(s). This variant is located in a functionally critical region of the protein. Computational prediction algorithms indicate this variant is likely to affect gene or protein function. Given the available evidence, this variant is classified as Likely Pathogenic.

Fulgent Genetics
Classification: Likely pathogenic for Hematuria, benign familial, 1; Autosomal recessive Alport syndrome. Last evaluated: 2024-04-19. Review status: criteria provided, single submitter. Criteria: ACMG Guidelines, 2015. Collection method: clinical testing. Allele origin: germline.